The following is an entry in ClinVar:

NM_024596.5(MCPH1):c.909_921del (p.Arg304fs)

Gene: MCPH1 (microcephalin 1; plus strand). Cytogenetic location: 8p23.1.
Variant type: Deletion.
Coding change: c.909_921del on transcript NM_024596.5 (MANE Select); coding-DNA positions 909 to 921, 13 bases deleted (AAGAAATATTGCA).
Protein change: p.Arg304fs; shifts the reading frame from arginine 304.
Molecular consequence: frameshift variant. On other transcripts: non-coding transcript variant (1).
Genome position (GRCh38, 1-based): chr8:6,444,631-6,444,643, AAGAAATATTGCA deleted; deleting any 13 consecutive bases within chr8:6,444,626-6,444,643 gives the same sequence; the c. name uses the placement nearest the transcript's 3' end. VCF-style (leftmost placement, unchanged base first): chr8-6444625-CTTGCAAAGAAATA-C. GRCh37 (hg19) VCF-style: chr8-6302146-CTTGCAAAGAAATA-C.
Other names: c.909_921del, p.Arg304fs (NM_001172574.2, NM_001322042.2, NM_001363979.1 and 3 more transcripts); c.765_777del, p.Arg256fs (NM_001172575.2); c.903_915del, p.Arg302fs (NM_001322043.2); c.807_819del, p.Arg270fs (NM_001322045.2); short protein forms R302fs, R256fs, R270fs, R304fs.
Identifiers: ClinVar variation 2735118 (VCV002735118.3), dbSNP rs747489687, ClinGen allele CA4610405.

ClinVar aggregate classification (germline): Pathogenic (1 of 4 stars; one submission).

Submission:

Labcorp Genetics (formerly Invitae), Labcorp
Classification: Pathogenic. Last evaluated: 2023-07-16. Review status: criteria provided, single submitter. Criteria: Invitae Variant Classification Sherloc (09022015). Collection method: clinical testing. Allele origin: germline.
Comment: This sequence change creates a premature translational stop signal (p.Arg304Valfs*3) in the MCPH1 gene. It is expected to result in an absent or disrupted protein product. Loss-of-function variants in MCPH1 are known to be pathogenic (PMID: 20978018). This variant is present in population databases (rs747489687, gnomAD 0.2%). This variant has not been reported in the literature in individuals affected with MCPH1-related conditions. For these reasons, this variant has been classified as Pathogenic.

Literature cited by the submitters: PubMed 20978018.